The following is an entry in ClinVar:

ClinVar aggregate classification (germline): Conflicting classifications of pathogenicity. Review status: criteria provided, conflicting classifications (1 of 4 stars). 4 submissions from 4 submitters: Uncertain significance (2); Likely benign (2). Last evaluated 2026-01-31.

Conditions:
LAMA2-related muscular dystrophy (LAMA2-RD). Also called: Laminin alpha 2-related dystrophy. Identifiers: MedGen C5679788, MONDO:0100228.

Allele frequency attached by ClinVar (database versions not stated): gnomAD exomes 0.00003 and 0.00006; ExAC 0.00007; 1000 Genomes Project 0.00020; gnomAD 0.00029 and 0.00034; 1000 Genomes Project 30x 0.00031; ESP Exome Variant Server 0.00038; TOPMed 0.00040.
gnomAD v4.1: 90 of 1,613,878 alleles (0.0056%); highest among the groups gnomAD compares: African/African-American, 0.11%; no homozygotes.

Submissions (4):

Labcorp Genetics (formerly Invitae), Labcorp
Classification: Likely benign for LAMA2-related muscular dystrophy. Last evaluated: 2026-01-31. Review status: criteria provided, single submitter. Criteria: Invitae Variant Classification Sherloc (09022015). Collection method: clinical testing. Allele origin: germline.

Revvity Omics, Revvity
Classification: Likely benign. Last evaluated: 2025-01-21. Review status: criteria provided, single submitter. Criteria: ACMG Guidelines, 2015. Collection method: clinical testing. Allele origin: germline.

GeneDx
Classification: Uncertain significance. Last evaluated: 2023-06-29. Review status: criteria provided, single submitter. Criteria: GeneDx Variant Classification Process June 2021. Collection method: clinical testing. Allele origin: germline. Affected: yes.
Comment: In silico analysis supports that this missense variant does not alter protein structure/function; Has not been previously published as pathogenic or benign to our knowledge

Mayo Clinic Laboratories, Mayo Clinic
Classification: Uncertain significance. Last evaluated: 2021-01-05. Review status: criteria provided, single submitter. Criteria: ACMG Guidelines, 2015. Collection method: clinical testing. Allele origin: germline. Observed: 1 variant allele.

NM_000426.4(LAMA2):c.2009G>A (p.Arg670His)

Gene: LAMA2 (laminin subunit alpha 2; plus strand). Cytogenetic location: 6q22.33.
Variant type: single nucleotide variant.
Coding change: c.2009G>A on transcript NM_000426.4 (MANE Select); coding-DNA position 2009, G replaced by A.
Protein change: p.Arg670His; replaces arginine 670 with histidine.
Molecular consequence: missense variant.
Genome position (GRCh38, 1-based): chr6:129,252,208, G>A. VCF-style: chr6-129252208-G-A. GRCh37 (hg19) VCF-style: chr6-129573353-G-A.
Other names: c.2009G>A, p.Arg670His (NM_001079823.2); short protein forms R670H.
Identifiers: ClinVar variation 852302 (VCV000852302.18), dbSNP rs149305108, ClinGen allele CA3992799.
Genomic context (GRCh38, chr6:129,252,208, plus strand): 5'-CTAATGTATTGTTACTTAAAGAAGAATCATTTACCATACATGGCACACATTTTCCAGTCC[G>A]TAGAAAGGAATTTATGACAGTGCTTGCGAATTTGAAGAGAGTCCTCCTACAAATCACATA-3'
Protein context (NP_000417.3, residues 660-680): FTIHGTHFPV[Arg670His]RKEFMTVLAN